The following is an entry in ClinVar:

ClinVar aggregate classification (germline): Uncertain significance (1 of 4 stars; one submission).

Submission:

Labcorp Genetics (formerly Invitae), Labcorp
Classification: Uncertain significance. Last evaluated: 2020-01-07. Review status: criteria provided, single submitter. Criteria: Invitae Variant Classification Sherloc (09022015). Collection method: clinical testing. Allele origin: germline.
Comment: This variant results in a copy number gain of the genomic region encompassing the full coding sequence of the MERTK gene. The boundaries of this event are unknown as they extend beyond the assayed region for this gene and therefore may encompass additional genes. As the precise location of this event is unknown, it may be in tandem or it may be located elsewhere in the genome. This variant has not been reported in the literature in individuals with MERTK-related conditions. In summary, the available evidence is currently insufficient to determine the role of this variant in disease. Therefore, it has been classified as a Variant of Uncertain Significance.

NC_000002.12:g.(?_111838438)_(112028864_?)dup

Genes: ANAPC1 (anaphase promoting complex subunit 1; minus strand), MERTK (MER proto-oncogene, tyrosine kinase; plus strand). Cytogenetic location: 2q13.
Variant type: Duplication.
Identifiers: ClinVar variation 832727 (VCV000832727.2).